The following is an entry in ClinVar:

ClinVar aggregate classification (germline): Uncertain significance (1 of 4 stars; one submission).

Allele frequency attached by ClinVar (database versions not stated): gnomAD 0.00001.
gnomAD v4.1: 1 of 1,612,776 alleles (0.000062%); highest among the groups gnomAD compares: African/African-American, 0.0013%; no homozygotes.

Submission:

Labcorp Genetics (formerly Invitae), Labcorp
Classification: Uncertain significance. Last evaluated: 2025-03-17. Review status: criteria provided, single submitter. Criteria: Invitae Variant Classification Sherloc (09022015). Collection method: clinical testing. Allele origin: germline.
Comment: This sequence change replaces histidine, which is basic and polar, with arginine, which is basic and polar, at codon 87 of the SAMD11 protein (p.His87Arg). This variant is present in population databases (no rsID available, gnomAD 0.01%). This variant has not been reported in the literature in individuals affected with SAMD11-related conditions. ClinVar contains an entry for this variant (Variation ID: 1385724). An algorithm developed to predict the effect of missense changes on protein structure and function (PolyPhen-2) suggests that this variant is likely to be tolerated. In summary, the available evidence is currently insufficient to determine the role of this variant in disease. Therefore, it has been classified as a Variant of Uncertain Significance.

NM_001385641.1(SAMD11):c.797A>G (p.His266Arg)

Gene: SAMD11 (sterile alpha motif domain containing 11; plus strand). Cytogenetic location: 1p36.33.
Variant type: single nucleotide variant.
Coding change: c.797A>G on transcript NM_001385641.1 (MANE Select); coding-DNA position 797, A replaced by G.
Protein change: p.His266Arg; replaces histidine 266 with arginine.
Molecular consequence: missense variant.
Genome position (GRCh38, 1-based): chr1:931,044, A>G. VCF-style: chr1-931044-A-G. GRCh37 (hg19) VCF-style: chr1-866424-A-G.
Other names: c.797A>G, p.His266Arg (NM_001385640.1); c.260A>G, p.His87Arg (NM_152486.4); short protein forms H87R, H266R.
Identifiers: ClinVar variation 1385724 (VCV001385724.6), dbSNP rs1179305230, ClinGen allele CA337793331.
Genomic context (GRCh38, chr1:931,044, plus strand): 5'-GGCTGGGGTCAGGGGCCTCCAGAGCAACATGGACCTTCTGCTTCCCTTCCTGCAGAGTCC[A>G]CACCCACTGGGACGTGAACATCTCTTTCCGAGAGGCGTCCTGCAGGTAGGAGCCGTGCTG-3'
Protein context (NP_001372570.1, residues 256-276): PHIRIMKRRV[His266Arg]THWDVNISFR